The following is an entry in ClinVar:

ClinVar aggregate classification (germline): Pathogenic/Likely pathogenic. Review status: criteria provided, multiple submitters, no conflicts (2 of 4 stars). 2 submissions from 2 submitters: Pathogenic (1); Likely pathogenic (1). Last evaluated 2025-09-22.

Conditions:
Migraine, familial hemiplegic, 3. Identifiers: Orphanet 569, MedGen C1864987, MONDO:0012320, OMIM 609634.

Submissions (2):

GeneDx
Classification: Pathogenic. Last evaluated: 2025-09-22. Review status: criteria provided, single submitter. Criteria: GeneDx Variant Classification Process June 2021. Collection method: clinical testing. Allele origin: germline.
Comment: Not observed at significant frequency in large population cohorts (gnomAD); In silico analysis supports that this missense variant has a deleterious effect on protein structure/function; This variant is associated with the following publications: (PMID: 21248271, 27246997, 32090326, 40848398, 35074891)

Centre for Mendelian Genomics, University Medical Centre Ljubljana
Classification: Likely pathogenic for Migraine, familial hemiplegic, 3. Last evaluated: 2016-01-01. Review status: criteria provided, single submitter. Criteria: ACMG Guidelines, 2015. Collection method: clinical testing. Allele origin: unknown. Affected: yes.
Comment: This variant was classified as: Likely pathogenic. The following ACMG criteria were applied in classifying this variant: PS1,PM2,PM5,PP2,PP3.

NM_001165963.4(SCN1A):c.680T>C (p.Ile227Thr)

Gene: SCN1A (sodium voltage-gated channel alpha subunit 1; minus strand). Cytogenetic location: 2q24.3.
Variant type: single nucleotide variant.
Coding change: c.680T>C on transcript NM_001165963.4 (MANE Select); coding-DNA position 680, T replaced by C.
Protein change: p.Ile227Thr; replaces isoleucine 227 with threonine.
Molecular consequence: missense variant. On other transcripts: 5 prime UTR variant (1), non-coding transcript variant (1).
Genome position (GRCh38, 1-based): chr2:166,052,866, A>G on the plus strand (T>C on the coding strand, the complement: SCN1A is on the minus strand). VCF-style: chr2-166052866-A-G. GRCh37 (hg19) VCF-style: chr2-166909376-A-G.
Other names: c.680T>C, p.Ile227Thr (NM_001165964.3, NM_001202435.3, NM_001353948.2 and 10 more transcripts); c.-1746T>C (NM_001353961.2); short protein forms I227T.
Identifiers: ClinVar variation 930374 (VCV000930374.6), dbSNP rs121917937, ClinGen allele CA349074069.